The following is an entry in ClinVar:

ClinVar aggregate classification (germline): Conflicting classifications of pathogenicity. Review status: criteria provided, conflicting classifications (1 of 4 stars). 2 submissions from 2 submitters: Uncertain significance (1); Likely benign (1). Last evaluated 2025-04-30.

Conditions:
Cardiovascular phenotype. Identifiers: MedGen CN230736.
RASopathy. Also called: rasopathies; Noonan spectrum disorder. Identifiers: Orphanet 536391, MedGen C5555857, MONDO:0021060.

Allele frequency attached by ClinVar (database versions not stated): gnomAD exomes below 0.00001; ExAC 0.00001; TOPMed 0.00001.
gnomAD v4.1: 4 of 1,614,074 alleles (0.00025%); highest among the groups gnomAD compares: African/African-American, 0.004%; no homozygotes.

Submissions (2):

Labcorp Genetics (formerly Invitae), Labcorp
Classification: Likely benign for RASopathy. Last evaluated: 2025-04-30. Review status: criteria provided, single submitter. Criteria: Invitae Variant Classification Sherloc (09022015). Collection method: clinical testing. Allele origin: germline.

Ambry Genetics
Classification: Uncertain significance for Cardiovascular phenotype. Last evaluated: 2025-01-09. Review status: criteria provided, single submitter. Criteria: Ambry Variant Classification Scheme 2023. Collection method: clinical testing. Allele origin: germline.
Comment: The c.695A>G (p.Y232C) alteration is located in exon 7 (coding exon 6) of the RAF1 gene. This alteration results from a A to G substitution at nucleotide position 695, causing the tyrosine (Y) at amino acid position 232 to be replaced by a cysteine (C). The in silico prediction for this alteration is inconclusive. Based on insufficient or conflicting evidence, the clinical significance of this alteration remains unclear.

NM_002880.4(RAF1):c.695A>G (p.Tyr232Cys)

Gene: RAF1 (Raf-1 proto-oncogene, serine/threonine kinase; minus strand). Cytogenetic location: 3p25.2.
Variant type: single nucleotide variant.
Coding change: c.695A>G on transcript NM_002880.4 (MANE Select); coding-DNA position 695, A replaced by G.
Protein change: p.Tyr232Cys; replaces tyrosine 232 with cysteine.
Molecular consequence: missense variant. On other transcripts: non-coding transcript variant (3).
Genome position (GRCh38, 1-based): chr3:12,604,275, T>C on the plus strand (A>G on the coding strand, the complement: RAF1 is on the minus strand). VCF-style: chr3-12604275-T-C. GRCh37 (hg19) VCF-style: chr3-12645774-T-C.
Other names: c.695A>G, p.Tyr232Cys (NM_001354689.3, NM_001354690.3); c.452A>G, p.Tyr151Cys (NM_001354691.3, NM_001354692.3, NM_001354694.3); c.596A>G, p.Tyr199Cys (NM_001354693.3); c.353A>G, p.Tyr118Cys (NM_001354695.3); short protein forms Y232C, Y118C, Y151C, Y199C.
Identifiers: ClinVar variation 2564932 (VCV002564932.5), dbSNP rs758689352, ClinGen allele CA2259702.
Genomic context (GRCh38, chr3:12,604,275, plus strand): 5'-GAGAGGGAACCTTCAGATGAGGGACTGGAGGTGTTAAAGGTGAAGGCGTGAGGTGTAGAA[T>C]ATCTGTGCTGAGAACTAGGAGGAGAAAGAAAATTCCATGATTGGCACTTAGGCTTTCATA-3'
Protein context (NP_002871.1, residues 222-242): SRMPVSSQHR[Tyr232Cys]STPHAFTFNT